The following is an entry in ClinVar:

NM_001378156.1(C1QB):c.293G>A (p.Gly98Asp)

Gene: C1QB (complement C1q B chain; plus strand). Cytogenetic location: 1p36.12.
Variant type: single nucleotide variant.
Coding change: c.293G>A on transcript NM_001378156.1 (MANE Select); coding-DNA position 293, G replaced by A.
Protein change: p.Gly98Asp; replaces glycine 98 with aspartic acid.
Molecular consequence: missense variant.
Genome position (GRCh38, 1-based): chr1:22,660,923, G>A. VCF-style: chr1-22660923-G-A. GRCh37 (hg19) VCF-style: chr1-22987416-G-A.
Other names: c.299G>A, p.Gly100Asp (NM_000491.5); c.293G>A, p.Gly98Asp (NM_001371184.3); short protein forms G100D, G98D.
Identifiers: ClinVar variation 3616689 (VCV003616689.2).

ClinVar aggregate classification (germline): Uncertain significance (1 of 4 stars; one submission).

gnomAD v4.1: 4 of 1,613,224 alleles (0.00025%); highest among the groups gnomAD compares: Admixed American, 0.0067%; no homozygotes.

Submission:

Labcorp Genetics (formerly Invitae), Labcorp
Classification: Uncertain significance. Last evaluated: 2024-05-22. Review status: criteria provided, single submitter. Criteria: Invitae Variant Classification Sherloc (09022015). Collection method: clinical testing. Allele origin: germline.
Comment: This sequence change replaces glycine, which is neutral and non-polar, with aspartic acid, which is acidic and polar, at codon 100 of the C1QB protein (p.Gly100Asp). This variant is present in population databases (no rsID available, gnomAD 0.003%). This variant has not been reported in the literature in individuals affected with C1QB-related conditions. Advanced modeling of protein sequence and biophysical properties (such as structural, functional, and spatial information, amino acid conservation, physicochemical variation, residue mobility, and thermodynamic stability) performed at Invitae indicates that this missense variant is not expected to disrupt C1QB protein function with a negative predictive value of 80%. In summary, the available evidence is currently insufficient to determine the role of this variant in disease. Therefore, it has been classified as a Variant of Uncertain Significance.